The following is an entry in ClinVar:

NM_007194.4(CHEK2):c.518_519del (p.Glu173fs)

Gene: CHEK2 (checkpoint kinase 2; minus strand). Cytogenetic location: 22q12.1.
Variant type: Microsatellite.
Coding change: c.518_519del on transcript NM_007194.4 (MANE Select); coding-DNA positions 518 to 519, 2 bases deleted (AG; older notation c.518_519delAG).
Protein change: p.Glu173fs; shifts the reading frame from glutamic acid 173.
Molecular consequence: frameshift variant. On other transcripts: 5 prime UTR variant (2), intron variant (1).
Genome position (GRCh38, 1-based): chr22:28,725,050-28,725,051, CT deleted on the plus strand (AG on the coding strand, the reverse complement: CHEK2 is on the minus strand); deleting any 2 consecutive bases within chr22:28,725,050-28,725,053 gives the same sequence; the c. name uses the placement nearest the transcript's 3' end. VCF-style (leftmost placement, unchanged base first): chr22-28725049-GCT-G. GRCh37 (hg19) VCF-style: chr22-29121037-GCT-G.
Other names: c.647_648del, p.Glu216fs (NM_001005735.3, NM_001438294.1); c.-262AG[1] (NM_001257387.3); c.-148AG[1] (NM_001437942.1); c.611_612del, p.Glu204fs (NM_001438293.1, NM_001438295.1); c.518_519del, p.Glu173fs (NM_145862.3); c.445-128_445-127del (NM_001349956.3); short protein forms E216fs, E173fs, E204fs.
Identifiers: ClinVar variation 2039655 (VCV002039655.4), dbSNP rs2518052498, ClinGen allele CA2580615280.
Genomic context (GRCh38, chr22:28,725,049, plus strand): 5'-TTAGTGACAGTGCAATTTCAGAATTGTTATTCAAAGGACGGCGTTTTCCTTTCCCTACAA[GCT>G]CTGTATTTACAAAGGTTCCATTGCCACTGTGATCTTCTATGTATGCAATGTAAGAGTTTT-3'

ClinVar aggregate classification (germline): Pathogenic (1 of 4 stars; one submission).

Conditions:
Familial cancer of breast. Also called: BREAST CANCER, FAMILIAL; hereditary breast carcinoma; Hereditary breast cancer. Identifiers: Orphanet 227535, MedGen C0346153, MONDO:0016419, OMIM 114480. Disease mechanism: loss of function.

Submission:

Labcorp Genetics (formerly Invitae), Labcorp
Classification: Pathogenic for Familial cancer of breast. Last evaluated: 2021-12-11. Review status: criteria provided, single submitter. Criteria: Invitae Variant Classification Sherloc (09022015). Collection method: clinical testing. Allele origin: germline.
Comment: This sequence change creates a premature translational stop signal (p.Glu173Alafs*12) in the CHEK2 gene. It is expected to result in an absent or disrupted protein product. Loss-of-function variants in CHEK2 are known to be pathogenic (PMID: 21876083, 24713400). This variant is not present in population databases (gnomAD no frequency). This variant has not been reported in the literature in individuals affected with CHEK2-related conditions. For these reasons, this variant has been classified as Pathogenic.

Literature cited by the submitters: PubMed 21876083; PubMed 24713400.